The following is an entry in ClinVar:

ClinVar aggregate classification (germline): Benign. Review status: criteria provided, multiple submitters, no conflicts (2 of 4 stars). 2 submissions from 2 submitters: Benign (2). Last evaluated 2020-02-18.

Allele frequency attached by ClinVar (database versions not stated): ESP Exome Variant Server 0.00109; gnomAD exomes 0.00497 and 0.02174; gnomAD 0.00899 and 0.00929; TOPMed 0.01513; ExAC 0.01612; 1000 Genomes Project 0.02017; 1000 Genomes Project 30x 0.02139.
gnomAD v4.1: 8,592 of 1,614,190 alleles (0.53%); highest among the groups gnomAD compares: Admixed American, 13%; 640 homozygotes.

Submissions (2):

GeneDx
Classification: Benign. Last evaluated: 2020-02-18. Review status: criteria provided, single submitter. Criteria: GeneDx Variant Classification Process June 2021. Collection method: clinical testing. Allele origin: germline. Affected: yes.
Comment: This variant is associated with the following publications: (PMID: 31118516)

Breakthrough Genomics
Classification: Benign. Review status: criteria provided, single submitter. Criteria: ACMG Guidelines, 2015. Collection method: not provided. Allele origin: germline. Inheritance: Unknown mechanism. Affected: yes.

NM_001007467.3(SFI1):c.2263C>T (p.Arg755Trp)

Gene: SFI1 (SFI1 centrin binding protein; plus strand). Cytogenetic location: 22q12.2.
Variant type: single nucleotide variant.
Coding change: c.2263C>T on transcript NM_001007467.3 (MANE Select); coding-DNA position 2263, C replaced by T.
Protein change: p.Arg755Trp; replaces arginine 755 with tryptophan.
Molecular consequence: missense variant.
Genome position (GRCh38, 1-based): chr22:31,611,151, C>T. VCF-style: chr22-31611151-C-T. GRCh37 (hg19) VCF-style: chr22-32007137-C-T.
Other names: c.2098C>T, p.Arg700Trp (NM_001258325.1); c.2017C>T, p.Arg673Trp (NM_001258326.2); c.1981C>T, p.Arg661Trp (NM_001258327.2); c.2170C>T, p.Arg724Trp (NM_014775.4); short protein forms R661W, R673W, R700W, R724W, R755W.
Identifiers: ClinVar variation 1272733 (VCV001272733.2), dbSNP rs145181683, ClinGen allele CA10193819.